The following is an entry in ClinVar:

NM_001843.4(CNTN1):c.1369A>G (p.Asn457Asp)

Gene: CNTN1 (contactin 1; plus strand). Cytogenetic location: 12q12.
Variant type: single nucleotide variant.
Coding change: c.1369A>G on transcript NM_001843.4 (MANE Select); coding-DNA position 1369, A replaced by G.
Protein change: p.Asn457Asp; replaces asparagine 457 with aspartic acid.
Molecular consequence: missense variant.
Genome position (GRCh38, 1-based): chr12:40,939,475, A>G. VCF-style: chr12-40939475-A-G. GRCh37 (hg19) VCF-style: chr12-41333277-A-G.
Other names: c.1369A>G, p.Asn457Asp (NM_001256063.2, NM_001256064.2); c.1336A>G, p.Asn446Asp (NM_175038.2); c.1369A>G (NM_001843.2); short protein forms N446D, N457D.
Identifiers: ClinVar variation 966127 (VCV000966127.12), dbSNP rs138213139, ClinGen allele CA6516839.

ClinVar aggregate classification (germline): Uncertain significance. Review status: criteria provided, multiple submitters, no conflicts (2 of 4 stars). 2 submissions from 2 submitters: Uncertain significance (2). Last evaluated 2023-10-03.

Conditions:
Inborn genetic diseases. Identifiers: MedGen C0950123, MeSH D030342.
Compton-North congenital myopathy (CMYO12). Identifiers: Orphanet 210163, MedGen C2675527, MONDO:0012929, OMIM 612540.

Allele frequency attached by ClinVar (database versions not stated): gnomAD exomes 0.00002 and 0.00006; ExAC 0.00008; gnomAD 0.00025 and 0.00027; TOPMed 0.00029; ESP Exome Variant Server 0.00062.
gnomAD v4.1: 66 of 1,613,706 alleles (0.0041%); highest among the groups gnomAD compares: African/African-American, 0.081%; 1 homozygote.

Submissions (2):

Labcorp Genetics (formerly Invitae), Labcorp
Classification: Uncertain significance for Compton-North congenital myopathy. Last evaluated: 2023-10-03. Review status: criteria provided, single submitter. Criteria: Invitae Variant Classification Sherloc (09022015). Collection method: clinical testing. Allele origin: germline.
Comment: This sequence change replaces asparagine, which is neutral and polar, with aspartic acid, which is acidic and polar, at codon 457 of the CNTN1 protein (p.Asn457Asp). This variant is present in population databases (rs138213139, gnomAD 0.05%). This variant has not been reported in the literature in individuals affected with CNTN1-related conditions. ClinVar contains an entry for this variant (Variation ID: 966127). Advanced modeling of protein sequence and biophysical properties (such as structural, functional, and spatial information, amino acid conservation, physicochemical variation, residue mobility, and thermodynamic stability) performed at Invitae indicates that this missense variant is not expected to disrupt CNTN1 protein function. In summary, the available evidence is currently insufficient to determine the role of this variant in disease. Therefore, it has been classified as a Variant of Uncertain Significance.

Ambry Genetics
Classification: Uncertain significance for Inborn genetic diseases. Last evaluated: 2022-06-03. Review status: criteria provided, single submitter. Criteria: Ambry Variant Classification Scheme 2023. Collection method: clinical testing. Allele origin: germline.